The following is an entry in ClinVar:

NM_000834.5(GRIN2B):c.3111C>A (p.Asp1037Glu)

Gene: GRIN2B (glutamate ionotropic receptor NMDA type subunit 2B; minus strand). Cytogenetic location: 12p13.1.
Variant type: single nucleotide variant.
Coding change: c.3111C>A on transcript NM_000834.5 (MANE Select); coding-DNA position 3111, C replaced by A.
Protein change: p.Asp1037Glu; replaces aspartic acid 1037 with glutamic acid.
Molecular consequence: missense variant.
Genome position (GRCh38, 1-based): chr12:13,564,127, G>T on the plus strand (C>A on the coding strand, the complement: GRIN2B is on the minus strand). VCF-style: chr12-13564127-G-T. GRCh37 (hg19) VCF-style: chr12-13717061-G-T.
Other names: short protein forms D1037E.
Identifiers: ClinVar variation 671784 (VCV000671784.9), dbSNP rs754878801, ClinGen allele CA6460946.

ClinVar aggregate classification (germline): Conflicting classifications of pathogenicity. Review status: criteria provided, conflicting classifications (1 of 4 stars). 3 submissions from 3 submitters: Uncertain significance (2); Likely benign (1). Last evaluated 2023-09-23.

Conditions:
Intellectual developmental disorder, autosomal dominant 6, with or without seizures. Also called: Intellectual disability, autosomal dominant 6; GRIN2B-related developmental delay, intellectual disability and autism spectrum disorder. Identifiers: Orphanet 589547, MedGen C3151411, MONDO:0013509, OMIM 613970.
Developmental and epileptic encephalopathy, 27 (DEE27). Also called: GRIN2B-Related Neurodevelopmental Disorder; Epileptic encephalopathy, early infantile, 27. Identifiers: Orphanet 3451, MedGen C4015316, MONDO:0014505, OMIM 616139.

Allele frequency attached by ClinVar (database versions not stated): gnomAD exomes 0.00001; ExAC 0.00002.
gnomAD v4.1: 3 of 1,614,178 alleles (0.00019%); highest among the groups gnomAD compares: East Asian, 0.0022%; no homozygotes.

Submissions (3):

Labcorp Genetics (formerly Invitae), Labcorp
Classification: Uncertain significance for Developmental and epileptic encephalopathy, 27; Intellectual developmental disorder, autosomal dominant 6, with or without seizures. Last evaluated: 2023-09-23. Review status: criteria provided, single submitter. Criteria: Invitae Variant Classification Sherloc (09022015). Collection method: clinical testing. Allele origin: germline.
Comment: In summary, the available evidence is currently insufficient to determine the role of this variant in disease. Therefore, it has been classified as a Variant of Uncertain Significance. Advanced modeling of protein sequence and biophysical properties (such as structural, functional, and spatial information, amino acid conservation, physicochemical variation, residue mobility, and thermodynamic stability) performed at Invitae indicates that this missense variant is not expected to disrupt GRIN2B protein function. ClinVar contains an entry for this variant (Variation ID: 671784). This missense change has been observed in individual(s) with clinical features of GRIN2B-related conditions (PMID: 30564305). This variant is present in population databases (rs754878801, gnomAD 0.006%). This sequence change replaces aspartic acid, which is acidic and polar, with glutamic acid, which is acidic and polar, at codon 1037 of the GRIN2B protein (p.Asp1037Glu).

New York Genome Center
Classification: Uncertain significance for Developmental and epileptic encephalopathy, 27; Intellectual developmental disorder, autosomal dominant 6, with or without seizures. Last evaluated: 2021-05-20. Review status: criteria provided, single submitter. Criteria: NYGC Assertion Criteria 2020. Collection method: clinical testing. Allele origin: germline. Observed: 1 heterozygote. Study: CSER-NYCKidSeq.

GeneDx
Classification: Likely benign. Last evaluated: 2019-11-15. Review status: criteria provided, single submitter. Criteria: GeneDx Variant Classification Process June 2021. Collection method: clinical testing. Allele origin: germline. Affected: yes.
Comment: This variant is associated with the following publications: (PMID: 30564305)

Literature cited by the submitters: PubMed 30564305 (cited by Labcorp Genetics (formerly Invitae), Labcorp).